The following is an entry in ClinVar:

NM_000288.4(PEX7):c.376C>T (p.Gln126Ter)

Gene: PEX7 (peroxisomal biogenesis factor 7; plus strand). Cytogenetic location: 6q23.3.
Variant type: single nucleotide variant.
Coding change: c.376C>T on transcript NM_000288.4 (MANE Select); coding-DNA position 376, C replaced by T.
Protein change: p.Gln126Ter; replaces glutamine 126 with a stop codon.
Molecular consequence: nonsense.
Genome position (GRCh38, 1-based): chr6:136,845,651, C>T. VCF-style: chr6-136845651-C-T. GRCh37 (hg19) VCF-style: chr6-137166789-C-T.
Other names: short protein forms Q126*.
Identifiers: ClinVar variation 1339708 (VCV001339708.10), dbSNP rs2115170536, ClinGen allele CA365856801.

ClinVar aggregate classification (germline): Pathogenic/Likely pathogenic. Review status: criteria provided, multiple submitters, no conflicts (2 of 4 stars). 4 submissions from 4 submitters: Pathogenic (2); Likely pathogenic (2). Last evaluated 2025-04-13.

Conditions:
Peroxisome biogenesis disorder 9B. Also called: PEROXISOME BIOGENESIS DISORDER, PEX7-RELATED, ATYPICAL; Refsum disease, adult, 2; PEX7-Related Refsum Disease. Identifiers: Orphanet 773, MedGen C2749346, MONDO:0013945, OMIM 614879.
Rhizomelic chondrodysplasia punctata (RCDP). Identifiers: Orphanet 177, MedGen C0282529, MONDO:0015776. Disease mechanism: loss of function.
Rhizomelic chondrodysplasia punctata type 1 (RCDP1). Also called: PEROXISOME BIOGENESIS DISORDER 9; PEX7-Related Rhizomelic Chondrodysplasia Punctata; CHONDRODYSTROPHIA CALCIFICANS PUNCTATA. Identifiers: Orphanet 177, Orphanet 309789, MedGen C1859133, MONDO:0008972, OMIM 215100. Disease mechanism: loss of function.

Submissions (4):

Natera, Inc.
Classification: Likely pathogenic for Rhizomelic Chondrodysplasia Punctata. Last evaluated: 2025-04-13. Review status: criteria provided, single submitter. Criteria: Natera Variant Classification Schema (03/2026). Collection method: clinical testing. Allele origin: germline.
Comment: The c.376C>T variant in PEX7 is a nonsense variant predicted to introduce a stop codon at amino acid 126. This variant is expected to result in nonsense mediated decay, truncation, or a dysfunctional protein product. This variant is rare in the general population with a frequency below the threshold expected for the associated phenotype(s). Given the available evidence, this variant is classified as Likely Pathogenic.

Fulgent Genetics
Classification: Pathogenic for Rhizomelic chondrodysplasia punctata type 1; Peroxisome biogenesis disorder 9B. Last evaluated: 2024-03-15. Review status: criteria provided, single submitter. Criteria: ACMG Guidelines, 2015. Collection method: clinical testing. Allele origin: germline.

Labcorp Genetics (formerly Invitae), Labcorp
Classification: Pathogenic for Peroxisome biogenesis disorder 9B. Last evaluated: 2022-01-24. Review status: criteria provided, single submitter. Criteria: Invitae Variant Classification Sherloc (09022015). Collection method: clinical testing. Allele origin: germline.
Comment: For these reasons, this variant has been classified as Pathogenic. This premature translational stop signal has been observed in individual(s) with rhizomelic chrondrodysplasis punctata (PMID: 11781871). This variant is not present in population databases (gnomAD no frequency). This sequence change creates a premature translational stop signal (p.Gln126*) in the PEX7 gene. It is expected to result in an absent or disrupted protein product. Loss-of-function variants in PEX7 are known to be pathogenic (PMID: 12325024, 12522768, 20301447).

Women's Health and Genetics/Laboratory Corporation of America, LabCorp
Classification: Likely pathogenic for Rhizomelic chondrodysplasia punctata type 1. Last evaluated: 2022-01-16. Review status: criteria provided, single submitter. Criteria: LabCorp Variant Classification Summary - May 2015. Collection method: clinical testing. Allele origin: germline.
Comment: Variant summary: PEX7 c.376C>T (p.Gln126X) results in a premature termination codon, predicted to cause a truncation of the encoded protein or absence of the protein due to nonsense mediated decay, which are commonly known mechanisms for disease. Truncations downstream of this position have been classified as pathogenic by our laboratory. The variant was absent in 251428 control chromosomes. c.376C>T has been reported in the literature in at-least one individual affected with Rhizomelic Chondrodysplasia Punctata Type 1 (example, Motley_2002). To our knowledge, no variant specific experimental evidence demonstrating an impact on protein function has been reported. No clinical diagnostic laboratories have submitted clinical-significance assessments for this variant to ClinVar after 2014. Based on the evidence outlined above, the variant was classified as likely pathogenic.

Literature cited by the submitters: PubMed 11781871 (cited by Labcorp Genetics (formerly Invitae), Labcorp and Women's Health and Genetics/Laboratory Corporation of America, LabCorp); PubMed 12325024 (cited by Labcorp Genetics (formerly Invitae), Labcorp); PubMed 12522768 (cited by Labcorp Genetics (formerly Invitae), Labcorp); PubMed 20301447 (cited by Labcorp Genetics (formerly Invitae), Labcorp).